The following is an entry in ClinVar:

ClinVar aggregate classification (germline): Uncertain significance (1 of 4 stars; one submission).

Allele frequency attached by ClinVar (database versions not stated): gnomAD 0.00002; gnomAD exomes 0.00002; TOPMed 0.00005; ExAC 0.00007; ESP Exome Variant Server 0.00008.
gnomAD v4.1: 26 of 1,614,088 alleles (0.0016%); highest among the groups gnomAD compares: Admixed American, 0.02%; no homozygotes.

Submission:

Labcorp Genetics (formerly Invitae), Labcorp
Classification: Uncertain significance. Last evaluated: 2024-10-24. Review status: criteria provided, single submitter. Criteria: Invitae Variant Classification Sherloc (09022015). Collection method: clinical testing. Allele origin: germline.
Comment: This sequence change replaces arginine, which is basic and polar, with histidine, which is basic and polar, at codon 537 of the PCK2 protein (p.Arg537His). This variant is present in population databases (rs377500005, gnomAD 0.02%). This variant has not been reported in the literature in individuals affected with PCK2-related conditions. Invitae Evidence Modeling of protein sequence and biophysical properties (such as structural, functional, and spatial information, amino acid conservation, physicochemical variation, residue mobility, and thermodynamic stability) indicates that this missense variant is expected to disrupt PCK2 protein function with a positive predictive value of 80%. In summary, the available evidence is currently insufficient to determine the role of this variant in disease. Therefore, it has been classified as a Variant of Uncertain Significance.

NM_004563.4(PCK2):c.1610G>A (p.Arg537His)

Genes: NRL (neural retina leucine zipper; minus strand), PCK2 (phosphoenolpyruvate carboxykinase 2, mitochondrial; plus strand). Cytogenetic location: 14q12.
Variant type: single nucleotide variant.
Coding change: c.1610G>A on transcript NM_004563.4 (MANE Select); coding-DNA position 1610, G replaced by A.
Protein change: p.Arg537His; replaces arginine 537 with histidine.
Molecular consequence: missense variant. On other transcripts: intron variant (3).
Genome position (GRCh38, 1-based): chr14:24,103,651, G>A. VCF-style: chr14-24103651-G-A. GRCh37 (hg19) VCF-style: chr14-24572860-G-A.
Other names: c.1208G>A, p.Arg403His (NM_001291556.2, NM_001308054.2); c.-28+11071C>T (NM_001354768.3, NM_001354770.2); c.-254+11071C>T (NM_006177.5); short protein forms R403H, R537H.
Identifiers: ClinVar variation 2738291 (VCV002738291.3), dbSNP rs377500005, ClinGen allele CA7123580.